The following is an entry in ClinVar:

ClinVar aggregate classification (germline): Uncertain significance. Review status: criteria provided, multiple submitters, no conflicts (2 of 4 stars). 2 submissions from 2 submitters: Uncertain significance (2). Last evaluated 2025-10-18.

Conditions:
MHC class II deficiency. Also called: BLS, TYPE II; Bare lymphocyte syndrome 2. Identifiers: Orphanet 572, MedGen C5447452, MONDO:0008855.
Inborn genetic diseases. Identifiers: MedGen C0950123, MeSH D030342.

gnomAD v4.1: 4 of 1,613,356 alleles (0.00025%); highest among the groups gnomAD compares: South Asian, 0.0022%; no homozygotes.

Submissions (2):

Ambry Genetics
Classification: Uncertain significance for Inborn genetic diseases. Last evaluated: 2025-10-18. Review status: criteria provided, single submitter. Criteria: Ambry Variant Classification Scheme 2023. Collection method: clinical testing. Allele origin: germline.

Labcorp Genetics (formerly Invitae), Labcorp
Classification: Uncertain significance for MHC class II deficiency. Last evaluated: 2025-08-20. Review status: criteria provided, single submitter. Criteria: Invitae Variant Classification Sherloc (09022015). Collection method: clinical testing. Allele origin: germline.
Comment: This sequence change replaces valine, which is neutral and non-polar, with methionine, which is neutral and non-polar, at codon 478 of the CIITA protein (p.Val478Met). This variant is present in population databases (rs749736732, gnomAD 0.003%). This variant has not been reported in the literature in individuals affected with CIITA-related conditions. An algorithm developed to predict the effect of missense changes on protein structure and function (PolyPhen-2) suggests that this variant is likely to be tolerated. In summary, the available evidence is currently insufficient to determine the role of this variant in disease. Therefore, it has been classified as a Variant of Uncertain Significance.

NM_000246.4(CIITA):c.1432G>A (p.Val478Met)

Gene: CIITA (class II major histocompatibility complex transactivator; plus strand). Cytogenetic location: 16p13.13.
Variant type: single nucleotide variant.
Coding change: c.1432G>A on transcript NM_000246.4 (MANE Select); coding-DNA position 1432, G replaced by A.
Protein change: p.Val478Met; replaces valine 478 with methionine.
Molecular consequence: missense variant. On other transcripts: intron variant (1).
Genome position (GRCh38, 1-based): chr16:10,906,924, G>A. VCF-style: chr16-10906924-G-A. GRCh37 (hg19) VCF-style: chr16-11000781-G-A.
Other names: c.1435G>A, p.Val479Met (NM_001286402.1, NM_001379332.1); c.1288G>A, p.Val430Met (NM_001379330.1); c.1285G>A, p.Val429Met (NM_001379331.1); c.1432G>A, p.Val478Met (NM_001379333.1); c.1363G>A, p.Val455Met (NM_001379334.1); c.860-2059G>A (NM_001286403.2); short protein forms V429M, V430M, V478M, V455M, V479M.
Identifiers: ClinVar variation 4615833 (VCV004615833.2).
Genomic context (GRCh38, chr16:10,906,924, plus strand): 5'-CGTCCGGGGGATGCCTATGGCCTGCAGGATCTGCTCTTCTCCCTGGGCCCACAGCCACTC[G>A]TGGCGGCCGATGAGGTTTTCAGCCACATCTTGAAGAGACCTGACCGCGTTCTGCTCATCC-3'
Protein context (NP_000237.2, residues 468-488): LLFSLGPQPL[Val478Met]AADEVFSHIL